The following is an entry in ClinVar:

NM_017654.4(SAMD9):c.3740A>T (p.Lys1247Ile)

Gene: SAMD9 (sterile alpha motif domain containing 9; minus strand). Cytogenetic location: 7q21.2.
Variant type: single nucleotide variant.
Coding change: c.3740A>T on transcript NM_017654.4 (MANE Select); coding-DNA position 3740, A replaced by T.
Protein change: p.Lys1247Ile; replaces lysine 1247 with isoleucine.
Molecular consequence: missense variant.
Genome position (GRCh38, 1-based): chr7:93,102,358, T>A on the plus strand (A>T on the coding strand, the complement: SAMD9 is on the minus strand). VCF-style: chr7-93102358-T-A. GRCh37 (hg19) VCF-style: chr7-92731671-T-A.
Other names: c.3740A>T, p.Lys1247Ile (NM_001193307.2); short protein forms K1247I.
Identifiers: ClinVar variation 3949607 (VCV003949607.1).

ClinVar aggregate classification (germline): Uncertain significance (1 of 4 stars; one submission).

Conditions:
Inborn genetic diseases. Identifiers: MedGen C0950123, MeSH D030342.

Submission:

Ambry Genetics
Classification: Uncertain significance for Inborn genetic diseases. Last evaluated: 2025-05-05. Review status: criteria provided, single submitter. Criteria: Ambry Variant Classification Scheme 2023. Collection method: clinical testing. Allele origin: germline.
Comment: The p.K1247I variant (also known as c.3740A>T), located in coding exon 1 of the SAMD9 gene, results from an A to T substitution at nucleotide position 3740. The lysine at codon 1247 is replaced by isoleucine, an amino acid with dissimilar properties. This amino acid position is conserved. In addition, this alteration is predicted to be tolerated by in silico analysis. Based on the available evidence, the clinical significance of this variant remains unclear.